The following is an entry in ClinVar:

ClinVar aggregate classification (germline): Uncertain significance. Review status: criteria provided, multiple submitters, no conflicts (2 of 4 stars). 2 submissions from 2 submitters: Uncertain significance (2). Last evaluated 2025-10-07.

Conditions:
Inborn genetic diseases. Identifiers: MedGen C0950123, MeSH D030342.

Allele frequency attached by ClinVar (database versions not stated): gnomAD 0.00003; TOPMed 0.00003; gnomAD exomes 0.00005; ExAC 0.00007; ESP Exome Variant Server 0.00008.
gnomAD v4.1: 74 of 1,613,978 alleles (0.0046%); highest among the groups gnomAD compares: Non-Finnish European, 0.0058%; no homozygotes.

Submissions (2):

Ambry Genetics
Classification: Uncertain significance for Inborn genetic diseases. Last evaluated: 2025-10-07. Review status: criteria provided, single submitter. Criteria: Ambry Variant Classification Scheme 2023. Collection method: clinical testing. Allele origin: germline.

Labcorp Genetics (formerly Invitae), Labcorp
Classification: Uncertain significance. Last evaluated: 2025-01-08. Review status: criteria provided, single submitter. Criteria: Invitae Variant Classification Sherloc (09022015). Collection method: clinical testing. Allele origin: germline.
Comment: This sequence change replaces alanine, which is neutral and non-polar, with valine, which is neutral and non-polar, at codon 436 of the DDX58 protein (p.Ala436Val). This variant is present in population databases (rs139635230, gnomAD 0.01%). This variant has not been reported in the literature in individuals affected with DDX58-related conditions. ClinVar contains an entry for this variant (Variation ID: 1437407). Invitae Evidence Modeling of protein sequence and biophysical properties (such as structural, functional, and spatial information, amino acid conservation, physicochemical variation, residue mobility, and thermodynamic stability) indicates that this missense variant is not expected to disrupt DDX58 protein function with a negative predictive value of 80%. In summary, the available evidence is currently insufficient to determine the role of this variant in disease. Therefore, it has been classified as a Variant of Uncertain Significance.

NM_014314.4(RIGI):c.1307C>T (p.Ala436Val)

Gene: RIGI (RNA sensor RIG-I; minus strand). Cytogenetic location: 9p21.1.
Variant type: single nucleotide variant.
Coding change: c.1307C>T on transcript NM_014314.4 (MANE Select); coding-DNA position 1307, C replaced by T.
Protein change: p.Ala436Val; replaces alanine 436 with valine.
Molecular consequence: missense variant.
Genome position (GRCh38, 1-based): chr9:32,487,539, G>A on the plus strand (C>T on the coding strand, the complement: RIGI is on the minus strand). VCF-style: chr9-32487539-G-A. GRCh37 (hg19) VCF-style: chr9-32487537-G-A.
Other names: c.1301C>T, p.Ala434Val (NM_001385907.1); c.1307C>T, p.Ala436Val (NM_001385909.1); c.866C>T, p.Ala289Val (NM_001385910.1); c.698C>T, p.Ala233Val (NM_001385912.1); c.1292C>T, p.Ala431Val (NM_001385913.1); c.863C>T, p.Ala288Val (NM_001385914.1); c.1307C>T (NM_014314.3); short protein forms A233V, A289V, A431V, A434V, A436V, A288V.
Identifiers: ClinVar variation 1437407 (VCV001437407.7), dbSNP rs139635230, ClinGen allele CA5019871.